The following is an entry in ClinVar:

NM_000051.4(ATM):c.1758G>T (p.Glu586Asp)

Gene: ATM (ATM serine/threonine kinase; plus strand). Cytogenetic location: 11q22.3.
Variant type: single nucleotide variant.
Coding change: c.1758G>T on transcript NM_000051.4 (MANE Select); coding-DNA position 1758, G replaced by T.
Protein change: p.Glu586Asp; replaces glutamic acid 586 with aspartic acid.
Molecular consequence: missense variant.
Genome position (GRCh38, 1-based): chr11:108,251,987, G>T. VCF-style: chr11-108251987-G-T. GRCh37 (hg19) VCF-style: chr11-108122714-G-T.
Other names: c.1758G>T, p.Glu586Asp (NM_001351834.2); short protein forms E586D.
Identifiers: ClinVar variation 820026 (VCV000820026.17), dbSNP rs1555072017, ClinGen allele CA382535403.

ClinVar aggregate classification (germline): Uncertain significance. Review status: criteria provided, multiple submitters, no conflicts (2 of 4 stars). 5 submissions from 5 submitters: Uncertain significance (4). 1 of the submissions does not count toward it. Last evaluated 2025-01-07.

Conditions:
Hereditary cancer-predisposing syndrome. Also called: Hereditary Cancer Syndrome; Neoplastic Syndromes, Hereditary; Hereditary neoplastic syndrome; Tumor predisposition. Identifiers: Orphanet 140162, MedGen C0027672, MeSH D009386, MONDO:0015356.
Familial cancer of breast. Also called: Hereditary breast cancer; hereditary breast carcinoma; BREAST CANCER, FAMILIAL. Identifiers: Orphanet 227535, MedGen C0346153, MONDO:0016419, OMIM 114480. Disease mechanism: loss of function.
Ataxia-telangiectasia syndrome (AT). Also called: Cerebello-oculocutaneous telangiectasia; Immunodeficiency with ataxia telangiectasia; Ataxia-telangiectasia, complementation group E; Ataxia-telangiectasia, complementation group D; AT, COMPLEMENTATION GROUP C; ATAXIA-TELANGIECTASIA, COMPLEMENTATION GROUP A. Identifiers: Orphanet 100, MedGen C0004135, MONDO:0008840, OMIM 208900.

Submissions (5):

Labcorp Genetics (formerly Invitae), Labcorp
Classification: Uncertain significance for Ataxia-telangiectasia syndrome. Last evaluated: 2025-01-07. Review status: criteria provided, single submitter. Criteria: Invitae Variant Classification Sherloc (09022015). Collection method: clinical testing. Allele origin: germline.
Comment: This sequence change replaces glutamic acid, which is acidic and polar, with aspartic acid, which is acidic and polar, at codon 586 of the ATM protein (p.Glu586Asp). This variant is not present in population databases (gnomAD no frequency). This variant has not been reported in the literature in individuals affected with ATM-related conditions. ClinVar contains an entry for this variant (Variation ID: 820026). Invitae Evidence Modeling of protein sequence and biophysical properties (such as structural, functional, and spatial information, amino acid conservation, physicochemical variation, residue mobility, and thermodynamic stability) indicates that this missense variant is not expected to disrupt ATM protein function with a negative predictive value of 95%. In summary, the available evidence is currently insufficient to determine the role of this variant in disease. Therefore, it has been classified as a Variant of Uncertain Significance.

Baylor Genetics
Classification: Uncertain significance for Familial cancer of breast. Last evaluated: 2023-05-03. Review status: criteria provided, single submitter. Criteria: ACMG Guidelines, 2015. Collection method: clinical testing. Allele origin: unknown.

Ambry Genetics
Classification: Uncertain significance for Hereditary cancer-predisposing syndrome. Last evaluated: 2023-02-13. Review status: criteria provided, single submitter. Criteria: Ambry Variant Classification Scheme 2023. Collection method: clinical testing. Allele origin: germline.
Comment: The p.E586D variant (also known as c.1758G>T), located in coding exon 10 of the ATM gene, results from a G to T substitution at nucleotide position 1758. The glutamic acid at codon 586 is replaced by aspartic acid, an amino acid with highly similar properties. This amino acid position is highly conserved in available vertebrate species. In addition, this alteration is predicted to be tolerated by in silico analysis. Since supporting evidence is limited at this time, the clinical significance of this alteration remains unclear.

Sema4
Classification: Uncertain significance for Hereditary cancer-predisposing syndrome. Last evaluated: 2022-01-06. Review status: criteria provided, single submitter. Criteria: Sema4 Curation Guidelines. Collection method: curation. Allele origin: germline.
Comment: To the best of our knowledge, the ATM c.1758G>T (p.E586D) variant has not been reported in individuals with ATM-related disease. It was not observed in the large and broad cohorts of the Genome Aggregation Database (PMID: 32461654). This variant has been reported in ClinVar (Variation ID 820026). In silico tools suggest the impact of the variant on protein function is benign, though these predictions have not been confirmed by functional studies. The evidence is insufficient to meet ACMG/AMP criteria for classifying the variant as benign or pathogenic. Thus, the clinical significance of this variant is currently uncertain.

Natera, Inc.
Classification: Uncertain significance for Ataxia-telangiectasia. Last evaluated: 2021-01-09. Review status: no assertion criteria provided. Collection method: clinical testing. Allele origin: germline. Not counted in ClinVar's aggregate classification.